The following is an entry in ClinVar:

NM_206933.4(USH2A):c.15105A>C (p.Thr5035=)

Gene: USH2A (usherin; minus strand). Cytogenetic location: 1q41.
Variant type: single nucleotide variant.
Coding change: c.15105A>C on transcript NM_206933.4 (MANE Select); coding-DNA position 15105, A replaced by C.
Protein change: p.Thr5035=; no amino-acid change (threonine 5035 retained).
Molecular consequence: synonymous variant.
Genome position (GRCh38, 1-based): chr1:215,634,651, T>G on the plus strand (A>C on the coding strand, the complement: USH2A is on the minus strand). VCF-style: chr1-215634651-T-G. GRCh37 (hg19) VCF-style: chr1-215807993-T-G.
Identifiers: ClinVar variation 228206 (VCV000228206.15), dbSNP rs762610249, ClinGen allele CA1392788.
Genomic context (GRCh38, chr1:215,634,651, plus strand): 5'-CAACAAGATCAAGCCCAGCATCGCCATTAACACTATGAACCACAGCTCGCTGTAGAACTC[T>G]GTGCTTTTGCTCCGCGATCCCTTCTTTTTCCCAGGAGTTGTTAGGACCAAGCCTGCAAAA-3'
Protein context (NP_996816.3, residues 5025-5045): GKKKGSRSKS[Thr5035=]EFYSELWFIV

ClinVar aggregate classification (germline): Likely benign. Review status: criteria provided, multiple submitters, no conflicts (2 of 4 stars). 5 submissions from 4 submitters: Likely benign (4). 1 of the submissions does not count toward it. Last evaluated 2024-02-06.

Conditions:
Usher syndrome type 2A. Also called: RETINAL DISEASE IN USHER SYNDROME TYPE IIA, MODIFIER OF; USHER SYNDROME, TYPE IIA. Identifiers: Orphanet 231178, Orphanet 886, MedGen C1848634, MONDO:0010169, OMIM 276901.
Retinitis pigmentosa 39 (RP39). Identifiers: Orphanet 791, MedGen C3151138, MONDO:0013436, OMIM 613809.

Allele frequency attached by ClinVar (database versions not stated): gnomAD exomes 0.00001; ExAC 0.00001; gnomAD 0.00001.
gnomAD v4.1: 7 of 1,614,126 alleles (0.00043%); highest among the groups gnomAD compares: East Asian, 0.016%; no homozygotes.

Submissions (5):

Labcorp Genetics (formerly Invitae), Labcorp
Classification: Likely benign. Last evaluated: 2024-02-06. Review status: criteria provided, single submitter. Criteria: Invitae Variant Classification Sherloc (09022015). Collection method: clinical testing. Allele origin: germline.

Genome-Nilou Lab
Classification: Likely benign for Retinitis pigmentosa 39. Last evaluated: 2023-11-04. Review status: criteria provided, single submitter. Criteria: ACMG Guidelines, 2015. Collection method: clinical testing. Allele origin: germline. Affected: no.

Genome-Nilou Lab
Classification: Likely benign for Usher syndrome type 2A. Last evaluated: 2023-11-04. Review status: criteria provided, single submitter. Criteria: ACMG Guidelines, 2015. Collection method: clinical testing. Allele origin: germline. Affected: no.

Laboratory for Molecular Medicine, Mass General Brigham Personalized Medicine
Classification: Likely benign. Last evaluated: 2015-04-18. Review status: criteria provided, single submitter. Criteria: LMM Criteria. Collection method: clinical testing. Allele origin: germline. Observed: 1 variant allele.
Comment: p.Thr5035Thr in exon 70 of USH2A: This variant is not expected to have clinical significance because it does not alter an amino acid residue and is not located within the splice consensus sequence. It has been identified in 1/8654 East Asia n chromosomes by the Exome Aggregation Consortium (ExAC).

Counsyl
Classification: Likely benign for Usher syndrome type 2A; Retinitis pigmentosa 39. Last evaluated: 2017-11-02. Review status: no assertion criteria provided. Collection method: clinical testing. Allele origin: unknown. Not counted in ClinVar's aggregate classification.